The following is an entry in ClinVar:

ClinVar aggregate classification (germline): Benign. Review status: criteria provided, multiple submitters, no conflicts (2 of 4 stars). 2 submissions from 2 submitters: Benign (2). Last evaluated 2018-01-12.

Conditions:
Autosomal recessive congenital ichthyosis 2 (ARCI2). Identifiers: Orphanet 281122, Orphanet 79394, MedGen C3888093, MONDO:0009439, OMIM 242100.

Allele frequency attached by ClinVar (database versions not stated): gnomAD 0.03176 and 0.03320; TOPMed 0.03509; 1000 Genomes Project 30x 0.04357; 1000 Genomes Project 0.04273.
gnomAD v4.1: 12,136 of 1,238,008 alleles (0.98%); highest among the groups gnomAD compares: African/African-American, 10%; 425 homozygotes.

Submissions (2):

Illumina Laboratory Services, Illumina
Classification: Benign for Autosomal recessive congenital ichthyosis 2. Last evaluated: 2018-01-12. Review status: criteria provided, single submitter. Criteria: ICSL Variant Classification Criteria 13 December 2019. Collection method: clinical testing. Allele origin: germline.
Comment: This variant was observed in the ICSL laboratory as part of a predisposition screen in an ostensibly healthy population. It had not been previously curated by ICSL or reported in the Human Gene Mutation Database (HGMD: prior to June 1st, 2018), and was therefore a candidate for classification through an automated scoring system. Utilizing variant allele frequency, disease prevalence and penetrance estimates, and inheritance mode, an automated score was calculated to assess if this variant is too frequent to cause the disease. Based on the score and internal cut-off values, a variant classified as benign is not then subjected to further curation. The score for this variant resulted in a classification of benign for this disease.

Breakthrough Genomics
Classification: Benign. Review status: criteria provided, single submitter. Criteria: ACMG Guidelines, 2015. Collection method: not provided. Allele origin: germline. Inheritance: Autosomal recessive inheritance. Affected: yes.

NM_001139.3(ALOX12B):c.-158G>T

Gene: ALOX12B (arachidonate 12-lipoxygenase, 12R type; minus strand). Cytogenetic location: 17p13.1.
Variant type: single nucleotide variant.
Coding change: c.-158G>T on transcript NM_001139.3 (MANE Select); 158 bases upstream of the start codon, G replaced by T.
Molecular consequence: 5 prime UTR variant.
Genome position (GRCh38, 1-based): chr17:8,087,600, C>A on the plus strand (G>T on the coding strand, the complement: ALOX12B is on the minus strand). VCF-style: chr17-8087600-C-A. GRCh37 (hg19) VCF-style: chr17-7990918-C-A.
Other names: c.-158G>T (LRG_1264t1).
Identifiers: ClinVar variation 325936 (VCV000325936.6), dbSNP rs116492351, ClinGen allele CA10640926.